The following is an entry in ClinVar:

ClinVar aggregate classification (germline): Uncertain significance. Review status: criteria provided, multiple submitters, no conflicts (2 of 4 stars). 2 submissions from 2 submitters: Uncertain significance (2). Last evaluated 2025-08-04.

Conditions:
Inborn genetic diseases. Identifiers: MedGen C0950123, MeSH D030342.

Allele frequency attached by ClinVar (database versions not stated): gnomAD 0.00001; 1000 Genomes Project 30x 0.00016; 1000 Genomes Project 0.00020.
gnomAD v4.1: 1 of 1,614,066 alleles (0.000062%); highest among the groups gnomAD compares: African/African-American, 0.0013%; no homozygotes.

Submissions (2):

Ambry Genetics
Classification: Uncertain significance for Inborn genetic diseases. Last evaluated: 2025-08-04. Review status: criteria provided, single submitter. Criteria: Ambry Variant Classification Scheme 2023. Collection method: clinical testing. Allele origin: germline.

Labcorp Genetics (formerly Invitae), Labcorp
Classification: Uncertain significance. Last evaluated: 2025-04-28. Review status: criteria provided, single submitter. Criteria: Invitae Variant Classification Sherloc (09022015). Collection method: clinical testing. Allele origin: germline.
Comment: This sequence change replaces glycine, which is neutral and non-polar, with arginine, which is basic and polar, at codon 327 of the BMP2 protein (p.Gly327Arg). This variant is not present in population databases (gnomAD no frequency). This variant has not been reported in the literature in individuals affected with BMP2-related conditions. ClinVar contains an entry for this variant (Variation ID: 1985152). An algorithm developed to predict the effect of missense changes on protein structure and function (PolyPhen-2) suggests that this variant is likely to be disruptive. In summary, the available evidence is currently insufficient to determine the role of this variant in disease. Therefore, it has been classified as a Variant of Uncertain Significance.

NM_001200.4(BMP2):c.979G>A (p.Gly327Arg)

Gene: BMP2 (bone morphogenetic protein 2; plus strand). Cytogenetic location: 20p12.3.
Variant type: single nucleotide variant.
Coding change: c.979G>A on transcript NM_001200.4 (MANE Select); coding-DNA position 979, G replaced by A.
Protein change: p.Gly327Arg; replaces glycine 327 with arginine.
Molecular consequence: missense variant.
Genome position (GRCh38, 1-based): chr20:6,778,877, G>A. VCF-style: chr20-6778877-G-A. GRCh37 (hg19) VCF-style: chr20-6759524-G-A.
Other names: c.979G>A (NM_001200.2); short protein forms G327R.
Identifiers: ClinVar variation 1985152 (VCV001985152.5), dbSNP rs190569855, ClinGen allele CA311471938.